The following is an entry in ClinVar:

ClinVar aggregate classification (germline): Uncertain significance (1 of 4 stars; one submission).

Submission:

GeneDx
Classification: Uncertain significance. Last evaluated: 2022-02-14. Review status: criteria provided, single submitter. Criteria: GeneDx Variant Classification Process June 2021. Collection method: clinical testing. Allele origin: germline. Affected: yes.
Comment: Not observed at significant frequency in large population cohorts (gnomAD); In silico analysis supports that this missense variant does not alter protein structure/function; Has not been previously published as pathogenic or benign to our knowledge

NM_001080517.3(SETD5):c.1300A>G (p.Thr434Ala)

Gene: SETD5 (SET domain containing 5; plus strand). Cytogenetic location: 3p25.3.
Variant type: single nucleotide variant.
Coding change: c.1300A>G on transcript NM_001080517.3 (MANE Select); coding-DNA position 1300, A replaced by G.
Protein change: p.Thr434Ala; replaces threonine 434 with alanine.
Molecular consequence: missense variant.
Genome position (GRCh38, 1-based): chr3:9,445,160, A>G. VCF-style: chr3-9445160-A-G. GRCh37 (hg19) VCF-style: chr3-9486844-A-G.
Other names: c.1006A>G, p.Thr336Ala (NM_001292043.2, NM_001349451.2); short protein forms T336A, T434A.
Identifiers: ClinVar variation 1700840 (VCV001700840.2), dbSNP rs1454581469, ClinGen allele CA351692762.